The following is an entry in ClinVar:

ClinVar aggregate classification (germline): Uncertain significance (1 of 4 stars; one submission).

Conditions:
Emery-Dreifuss muscular dystrophy 5, autosomal dominant (EDMD5). Also called: EMERY-DREIFUSS MUSCULAR DYSTROPHY 5. Identifiers: Orphanet 261, MedGen C2751805, MONDO:0013072, OMIM 612999.

Submission:

Labcorp Genetics (formerly Invitae), Labcorp
Classification: Uncertain significance for Emery-Dreifuss muscular dystrophy 5, autosomal dominant. Last evaluated: 2024-07-10. Review status: criteria provided, single submitter. Criteria: Invitae Variant Classification Sherloc (09022015). Collection method: clinical testing. Allele origin: germline.
Comment: This sequence change replaces aspartic acid, which is acidic and polar, with glycine, which is neutral and non-polar, at codon 4381 of the SYNE2 protein (p.Asp4381Gly). This variant is not present in population databases (gnomAD no frequency). This variant has not been reported in the literature in individuals affected with SYNE2-related conditions. An algorithm developed to predict the effect of missense changes on protein structure and function outputs the following: PolyPhen-2: "Probably Damaging". The glycine amino acid residue is found in multiple mammalian species, which suggests that this missense change does not adversely affect protein function. In summary, the available evidence is currently insufficient to determine the role of this variant in disease. Therefore, it has been classified as a Variant of Uncertain Significance.

NM_182914.3(SYNE2):c.13142A>G (p.Asp4381Gly)

Gene: SYNE2 (spectrin repeat containing nuclear envelope protein 2; plus strand). Cytogenetic location: 14q23.2.
Variant type: single nucleotide variant.
Coding change: c.13142A>G on transcript NM_182914.3 (MANE Select); coding-DNA position 13142, A replaced by G.
Protein change: p.Asp4381Gly; replaces aspartic acid 4381 with glycine.
Molecular consequence: missense variant.
Genome position (GRCh38, 1-based): chr14:64,121,045, A>G. VCF-style: chr14-64121045-A-G. GRCh37 (hg19) VCF-style: chr14-64587763-A-G.
Other names: c.13142A>G, p.Asp4381Gly (NM_015180.6); short protein forms D4381G.
Identifiers: ClinVar variation 3670747 (VCV003670747.2).
Genomic context (GRCh38, chr14:64,121,045, plus strand): 5'-TTAACCTTTCTGAATTGGAATCCATTGTAACTGAAAGGCCACAATTCAGCAGACAAAAAG[A>G]TTTCCAGCAGCAACAGGTAATTCTAGCCCCCAACAGTTGTAGGGACTAGAATATAACTTT-3'
Protein context (NP_878918.2, residues 4371-4391): TERPQFSRQK[Asp4381Gly]FQQQQVLELK